The following is an entry in ClinVar:

NM_017436.7(A4GALT):c.339_340delinsTT (p.Met114Leu)

Gene: A4GALT (alpha 1,4-galactosyltransferase (P1PK blood group); minus strand). Cytogenetic location: 22q13.2.
Variant type: Indel.
Coding change: c.339_340delinsTT on transcript NM_017436.7 (MANE Select); coding-DNA positions 339 to 340, GA replaced by TT.
Protein change: p.Met114Leu; replaces methionine 114 with leucine.
Molecular consequence: missense variant.
Genome position (GRCh38, 1-based): chr22:42,693,612-42,693,613, TC replaced by AA on the plus strand (GA replaced by TT on the coding strand, the reverse complement: A4GALT is on the minus strand). VCF-style: chr22-42693612-TC-AA. GRCh37 (hg19) VCF-style: chr22-43089618-TC-AA.
Other names: c.339_340delinsTT, p.Met114Leu (NM_001318038.3); short protein forms M114L.
Identifiers: ClinVar variation 1483587 (VCV001483587.6), dbSNP rs2146952758, ClinGen allele CA2573158195.

ClinVar aggregate classification (germline): Uncertain significance (1 of 4 stars; one submission).

Submission:

Labcorp Genetics (formerly Invitae), Labcorp
Classification: Uncertain significance. Last evaluated: 2021-10-13. Review status: criteria provided, single submitter. Criteria: Invitae Variant Classification Sherloc (09022015). Collection method: clinical testing. Allele origin: germline.
Comment: This sequence change replaces methionine, which is neutral and non-polar, with leucine, which is neutral and non-polar, at codon 114 of the A4GALT protein (p.Met114Leu). In summary, the available evidence is currently insufficient to determine the role of this variant in disease. Therefore, it has been classified as a Variant of Uncertain Significance. Experimental studies and prediction algorithms are not available or were not evaluated, and the functional significance of this variant is currently unknown. This variant has not been reported in the literature in individuals affected with A4GALT-related conditions. Information on the frequency of this variant in the gnomAD database is not available, as this variant may be reported differently in the database.